The following is an entry in ClinVar:

NM_006904.7(PRKDC):c.1911A>G (p.Lys637=)

Gene: PRKDC (protein kinase, DNA-activated, catalytic subunit; minus strand). Cytogenetic location: 8q11.21.
Variant type: single nucleotide variant.
Coding change: c.1911A>G on transcript NM_006904.7 (MANE Select); coding-DNA position 1911, A replaced by G.
Protein change: p.Lys637=; no amino-acid change (lysine 637 retained).
Molecular consequence: synonymous variant.
Genome position (GRCh38, 1-based): chr8:47,929,994, T>C on the plus strand (A>G on the coding strand, the complement: PRKDC is on the minus strand). VCF-style: chr8-47929994-T-C. GRCh37 (hg19) VCF-style: chr8-48842554-T-C.
Other names: p.Lys637=; c.1911A>G, p.Lys637= (NM_001081640.2).
Identifiers: ClinVar variation 475222 (VCV000475222.49), dbSNP rs45438803, ClinGen allele CA4741597.

ClinVar aggregate classification (germline): Benign/Likely benign. Review status: criteria provided, multiple submitters, no conflicts (2 of 4 stars). 10 submissions from 10 submitters: Benign (2); Likely benign (7). 1 of the submissions does not count toward it. Last evaluated 2026-04-06.

Conditions:
PRKDC-related disorder. Also called: PRKDC-related condition.
Severe combined immunodeficiency due to DNA-PKcs deficiency. Also called: IMMUNODEFICIENCY 26 WITH NEUROLOGIC ABNORMALITIES; Immunodeficiency 26 with or without neurologic abnormalities. Identifiers: Orphanet 317425, MedGen C4014833, MONDO:0014423, OMIM 615966.

Allele frequency attached by ClinVar (database versions not stated): 1000 Genomes Project 0.00240; 1000 Genomes Project 30x 0.00281; ESP Exome Variant Server 0.00392; gnomAD exomes 0.00401 and 0.00622; gnomAD 0.00408 and 0.00412; ExAC 0.00420; TOPMed 0.00428.
gnomAD v4.1: 9,597 of 1,604,406 alleles (0.6%); highest among the groups gnomAD compares: Non-Finnish European, 0.75%; 40 homozygotes.

Submissions (10):

Women's Health and Genetics/Laboratory Corporation of America, LabCorp
Classification: Benign. Last evaluated: 2026-04-06. Review status: criteria provided, single submitter. Criteria: LabCorp Variant Classification Summary - May 2015. Collection method: clinical testing. Allele origin: germline.

CeGaT Center for Human Genetics Tuebingen
Classification: Likely benign. Last evaluated: 2026-02-01. Review status: criteria provided, single submitter. Criteria: CeGaT Center For Human Genetics Tuebingen Variant Classification Criteria Version 2. Collection method: clinical testing. Allele origin: germline. Affected: yes. Observed: 10 variant alleles.
Comment: PRKDC: BP4, BP7, BS2

Labcorp Genetics (formerly Invitae), Labcorp
Classification: Benign for Severe combined immunodeficiency due to DNA-PKcs deficiency. Last evaluated: 2026-02-01. Review status: criteria provided, single submitter. Criteria: Invitae Variant Classification Sherloc (09022015). Collection method: clinical testing. Allele origin: germline.

Mayo Clinic Laboratories, Mayo Clinic
Classification: Likely benign. Last evaluated: 2025-10-08. Review status: criteria provided, single submitter. Criteria: ACMG Guidelines, 2015. Collection method: clinical testing. Allele origin: germline. Observed: 1 variant allele.
Comment: BP4, BP7

Blueprint Genetics
Classification: Likely benign. Last evaluated: 2024-11-27. Review status: criteria provided, single submitter. Criteria: ACMG Guidelines, 2015. Collection method: clinical testing. Allele origin: germline.

Ambry Genetics
Classification: Likely benign. Last evaluated: 2022-02-10. Review status: criteria provided, single submitter. Criteria: Ambry Variant Classification Scheme 2023. Collection method: clinical testing. Allele origin: germline.

Fulgent Genetics
Classification: Likely benign for Severe combined immunodeficiency due to DNA-PKcs deficiency. Last evaluated: 2021-09-21. Review status: criteria provided, single submitter. Criteria: ACMG Guidelines, 2015. Collection method: clinical testing. Allele origin: unknown.

GeneDx
Classification: Likely benign. Last evaluated: 2018-04-20. Review status: criteria provided, single submitter. Criteria: GeneDx Variant Classification (06012015). Collection method: clinical testing. Allele origin: germline. Affected: yes.
Comment: This variant is considered likely benign or benign based on one or more of the following criteria: it is a conservative change, it occurs at a poorly conserved position in the protein, it is predicted to be benign by multiple in silico algorithms, and/or has population frequency not consistent with disease.

Breakthrough Genomics
Classification: Likely benign. Review status: criteria provided, single submitter. Criteria: ACMG Guidelines, 2015. Collection method: not provided. Allele origin: germline. Inheritance: Autosomal recessive inheritance. Affected: yes.

PreventionGenetics, part of Exact Sciences
Classification: Benign for PRKDC-related condition. Last evaluated: 2019-07-15. Review status: no assertion criteria provided. Collection method: clinical testing. Allele origin: germline. Not counted in ClinVar's aggregate classification.
Comment: This variant is classified as benign based on ACMG/AMP sequence variant interpretation guidelines (Richards et al. 2015 PMID: 25741868, with internal and published modifications).